The following is an entry in ClinVar:

ClinVar aggregate classification (germline): Uncertain significance (1 of 4 stars; one submission).

Conditions:
Kabuki syndrome. Also called: Kabuki make-up syndrome; NIIKAWA-KUROKI SYNDROME. Identifiers: Orphanet 2322, MedGen C0796004, MONDO:0016512.

Allele frequency attached by ClinVar (database versions not stated): gnomAD exomes below 0.00001.
gnomAD v4.1: 5 of 1,611,042 alleles (0.00031%); highest among the groups gnomAD compares: African/African-American, 0.0013%; no homozygotes.

Submission:

Labcorp Genetics (formerly Invitae), Labcorp
Classification: Uncertain significance for Kabuki syndrome. Last evaluated: 2025-09-14. Review status: criteria provided, single submitter. Criteria: Invitae Variant Classification Sherloc (09022015). Collection method: clinical testing. Allele origin: germline.
Comment: This sequence change replaces glutamine, which is neutral and polar, with arginine, which is basic and polar, at codon 2004 of the KMT2D protein (p.Gln2004Arg). This variant is not present in population databases (gnomAD no frequency). This variant has not been reported in the literature in individuals affected with KMT2D-related conditions. ClinVar contains an entry for this variant (Variation ID: 2140030). Invitae Evidence Modeling of protein sequence and biophysical properties (such as structural, functional, and spatial information, amino acid conservation, physicochemical variation, residue mobility, and thermodynamic stability) indicates that this missense variant is not expected to disrupt KMT2D protein function with a negative predictive value of 95%. In summary, the available evidence is currently insufficient to determine the role of this variant in disease. Therefore, it has been classified as a Variant of Uncertain Significance.

NM_003482.4(KMT2D):c.6011A>G (p.Gln2004Arg)

Gene: KMT2D (lysine methyltransferase 2D; minus strand). Cytogenetic location: 12q13.12.
Variant type: single nucleotide variant.
Coding change: c.6011A>G on transcript NM_003482.4 (MANE Select); coding-DNA position 6011, A replaced by G.
Protein change: p.Gln2004Arg; replaces glutamine 2004 with arginine.
Molecular consequence: missense variant.
Genome position (GRCh38, 1-based): chr12:49,042,187, T>C on the plus strand (A>G on the coding strand, the complement: KMT2D is on the minus strand). VCF-style: chr12-49042187-T-C. GRCh37 (hg19) VCF-style: chr12-49435970-T-C.
Other names: short protein forms Q2004R.
Identifiers: ClinVar variation 2140030 (VCV002140030.4), dbSNP rs1419446311, ClinGen allele CA384627081.